The following is an entry in ClinVar:

ClinVar aggregate classification (germline): Uncertain significance (1 of 4 stars; one submission).

Conditions:
Hereditary cancer-predisposing syndrome. Also called: Hereditary Cancer Syndrome; Hereditary neoplastic syndrome; Neoplastic Syndromes, Hereditary; Tumor predisposition. Identifiers: Orphanet 140162, MedGen C0027672, MeSH D009386, MONDO:0015356.

Submission:

Ambry Genetics
Classification: Uncertain significance for Hereditary cancer-predisposing syndrome. Last evaluated: 2022-07-24. Review status: criteria provided, single submitter. Criteria: Ambry Variant Classification Scheme 2023. Collection method: clinical testing. Allele origin: germline.
Comment: The p.P3243S variant (also known as c.9727C>T), located in coding exon 26 of the BRCA2 gene, results from a C to T substitution at nucleotide position 9727. The proline at codon 3243 is replaced by serine, an amino acid with similar properties. This amino acid position is conserved. In addition, this alteration is predicted to be tolerated by in silico analysis. Since supporting evidence is limited at this time, the clinical significance of this alteration remains unclear.

NM_000059.4(BRCA2):c.9727C>T (p.Pro3243Ser)

Gene: BRCA2 (BRCA2 DNA repair associated; plus strand). Cytogenetic location: 13q13.1.
Variant type: single nucleotide variant.
Coding change: c.9727C>T on transcript NM_000059.4 (MANE Select); coding-DNA position 9727, C replaced by T.
Protein change: p.Pro3243Ser; replaces proline 3243 with serine.
Molecular consequence: missense variant.
Genome position (GRCh38, 1-based): chr13:32,398,240, C>T. VCF-style: chr13-32398240-C-T. GRCh37 (hg19) VCF-style: chr13-32972377-C-T.
Other names: c.9631C>T, p.Pro3211Ser (NM_001406719.1); c.9676C>T, p.Pro3226Ser (NM_001406720.1); c.4795C>T, p.Pro1599Ser (NM_001406721.1); c.3310C>T, p.Pro1104Ser (NM_001406722.1); short protein forms P3226S, P1599S, P3243S, P1104S, P3211S.
Identifiers: ClinVar variation 1767991 (VCV001767991.2), dbSNP rs1566260898, ClinGen allele CA387765503.